The following is an entry in ClinVar:

NM_172362.3(KCNH1):c.2330C>A (p.Ser777Tyr)

Gene: KCNH1 (potassium voltage-gated channel subfamily H member 1; minus strand). Cytogenetic location: 1q32.2.
Variant type: single nucleotide variant.
Coding change: c.2330C>A on transcript NM_172362.3 (MANE Select); coding-DNA position 2330, C replaced by A.
Protein change: p.Ser777Tyr; replaces serine 777 with tyrosine.
Molecular consequence: missense variant.
Genome position (GRCh38, 1-based): chr1:210,683,921, G>T on the plus strand (C>A on the coding strand, the complement: KCNH1 is on the minus strand). VCF-style: chr1-210683921-G-T. GRCh37 (hg19) VCF-style: chr1-210857263-G-T.
Other names: c.2249C>A, p.Ser750Tyr (NM_002238.4); short protein forms S777Y, S750Y.
Identifiers: ClinVar variation 1512268 (VCV001512268.8), dbSNP rs773927037, ClinGen allele CA1379702.

ClinVar aggregate classification (germline): Uncertain significance (1 of 4 stars; one submission).

Allele frequency attached by ClinVar (database versions not stated): gnomAD 0.00001; TOPMed 0.00001; ExAC 0.00002.
gnomAD v4.1: 3 of 1,612,696 alleles (0.00019%); highest among the groups gnomAD compares: Admixed American, 0.0033%; no homozygotes.

Submission:

Labcorp Genetics (formerly Invitae), Labcorp
Classification: Uncertain significance. Last evaluated: 2025-06-15. Review status: criteria provided, single submitter. Criteria: Invitae Variant Classification Sherloc (09022015). Collection method: clinical testing. Allele origin: germline.
Comment: This sequence change replaces serine, which is neutral and polar, with tyrosine, which is neutral and polar, at codon 777 of the KCNH1 protein (p.Ser777Tyr). This variant is present in population databases (rs773927037, gnomAD 0.009%). This variant has not been reported in the literature in individuals affected with KCNH1-related conditions. ClinVar contains an entry for this variant (Variation ID: 1512268). Invitae Evidence Modeling of protein sequence and biophysical properties (such as structural, functional, and spatial information, amino acid conservation, physicochemical variation, residue mobility, and thermodynamic stability) indicates that this missense variant is not expected to disrupt KCNH1 protein function with a negative predictive value of 95%. In summary, the available evidence is currently insufficient to determine the role of this variant in disease. Therefore, it has been classified as a Variant of Uncertain Significance.